The following is an entry in ClinVar:

NM_001127222.2(CACNA1A):c.3478_3479del (p.Ala1160fs)

Gene: CACNA1A (calcium voltage-gated channel subunit alpha1 A; minus strand). Cytogenetic location: 19p13.13.
Variant type: Deletion.
Coding change: c.3478_3479del on transcript NM_001127222.2 (MANE Select); coding-DNA positions 3478 to 3479, 2 bases deleted (GC; older notation c.3478_3479delGC).
Protein change: p.Ala1160fs; shifts the reading frame from alanine 1160.
Molecular consequence: frameshift variant.
Genome position (GRCh38, 1-based): chr19:13,286,577-13,286,578, GC deleted on the plus strand (GC on the coding strand, the reverse complement: CACNA1A is on the minus strand). VCF-style (leftmost placement, unchanged base first): chr19-13286576-GGC-G. GRCh37 (hg19) VCF-style: chr19-13397390-GGC-G.
Other names: c.3490_3491del, p.Ala1164fs (NM_000068.4, NM_023035.3); c.3481_3482del, p.Ala1161fs (NM_001127221.2, NM_001174080.2); short protein forms A1160fs, A1161fs, A1164fs.
Identifiers: ClinVar variation 976340 (VCV000976340.2), dbSNP rs2057404744, ClinGen allele CA1139666317.
Genomic context (GRCh38, chr19:13,286,576, plus strand): 5'-GTGGTTGAGGGGGGGTGGGCAGGCTGGGGGGATGTCCACTGTGGTGTGGTCGGGTTTCCT[GGC>G]AGTCTTAGCTGAATTGGTCTGGGTGCCGCTGGGGTTGGTGACGATAAGGCTATTCTCGGG-3'

ClinVar aggregate classification (germline): Pathogenic (1 of 4 stars; one submission).

Conditions:
Developmental and epileptic encephalopathy, 42 (DEE42A). Also called: Epileptic encephalopathy, early infantile, 42; DEVELOPMENTAL AND EPILEPTIC ENCEPHALOPATHY 42A; EPILEPTIC ENCEPHALOPATHY, EARLY INFANTILE, 42A. Identifiers: MedGen C4310716, MONDO:0014917, OMIM 617106.

Submission:

Institute of Human Genetics, University of Leipzig Medical Center
Classification: Pathogenic for Developmental and epileptic encephalopathy, 42. Last evaluated: 2026-06-11. Review status: criteria provided, single submitter. Criteria: ACMG Guidelines, 2015. Collection method: clinical testing. Allele origin: unknown. Inheritance: Autosomal dominant inheritance. Affected: yes.
Comment: Criteria applied: PVS1,PM2,PS4_SUP